The following is an entry in ClinVar:

ClinVar aggregate classification (germline): Benign. Review status: criteria provided, multiple submitters, no conflicts (2 of 4 stars). 4 submissions from 3 submitters: Benign (4). Last evaluated 2018-07-11.

Conditions:
Leigh syndrome (NULS). Also called: Leigh's syndrome; Leigh Disease; Subacute necrotizing encephalopathy; Necrotizing encephalopathy infantile subacute of Leigh; LEIGH SYNDROME, NUCLEAR; Leigh's necrotizing encephalopathy. Identifiers: Orphanet 506, MedGen C2931891, MONDO:0009723, OMIM 256000.
Mitochondrial complex I deficiency, nuclear type 1. Also called: NADH-COENZYME Q REDUCTASE DEFICIENCY; MITOCHONDRIAL NADH DEHYDROGENASE COMPONENT OF COMPLEX I, DEFICIENCY OF. Identifiers: MedGen C6022305, MONDO:0100224, OMIM 252010.

Allele frequency attached by ClinVar (database versions not stated): gnomAD exomes 0.00389; gnomAD 0.03839 and 0.04056; TOPMed 0.04237; 1000 Genomes Project 0.04992; 1000 Genomes Project 30x 0.05356.

Submissions (4):

GeneDx
Classification: Benign. Last evaluated: 2018-07-11. Review status: criteria provided, single submitter. Criteria: GeneDx Variant Classification Process June 2021. Collection method: clinical testing. Allele origin: germline. Affected: yes.

Illumina Laboratory Services, Illumina
Classification: Benign for Leigh syndrome. Last evaluated: 2018-01-12. Review status: criteria provided, single submitter. Criteria: ICSL Variant Classification Criteria 13 December 2019. Collection method: clinical testing. Allele origin: germline.
Comment: This variant was observed in the ICSL laboratory as part of a predisposition screen in an ostensibly healthy population. It had not been previously curated by ICSL or reported in the Human Gene Mutation Database (HGMD: prior to June 1st, 2018), and was therefore a candidate for classification through an automated scoring system. Utilizing variant allele frequency, disease prevalence and penetrance estimates, and inheritance mode, an automated score was calculated to assess if this variant is too frequent to cause the disease. Based on the score and internal cut-off values, a variant classified as benign is not then subjected to further curation. The score for this variant resulted in a classification of benign for this disease.

Illumina Laboratory Services, Illumina
Classification: Benign for Mitochondrial complex I deficiency, nuclear type 1. Last evaluated: 2018-01-12. Review status: criteria provided, single submitter. Criteria: ICSL Variant Classification Criteria 13 December 2019. Collection method: clinical testing. Allele origin: germline.
Comment: the same text as in the submission from Illumina Laboratory Services, Illumina above.

Breakthrough Genomics
Classification: Benign. Review status: criteria provided, single submitter. Criteria: ACMG Guidelines, 2015. Collection method: not provided. Allele origin: germline. Inheritance: Autosomal recessive inheritance. Affected: yes.

NM_007103.4(NDUFV1):c.-66G>A

Genes: NDUFV1 (NADH:ubiquinone oxidoreductase core subunit V1; plus strand), LOC130006217 (ATAC-STARR-seq lymphoblastoid active region 5114; plus strand). Cytogenetic location: 11q13.2.
Variant type: single nucleotide variant.
Coding change: c.-66G>A on transcript NM_007103.4 (MANE Select); 66 bases upstream of the start codon, G replaced by A.
Molecular consequence: 5 prime UTR variant.
Genome position (GRCh38, 1-based): chr11:67,606,939, G>A. VCF-style: chr11-67606939-G-A. GRCh37 (hg19) VCF-style: chr11-67374410-G-A.
Other names: c.-66G>A (NM_001166102.2).
Identifiers: ClinVar variation 305738 (VCV000305738.9), dbSNP rs73490568, ClinGen allele CA10639223.
Genomic context (GRCh38, chr11:67,606,939, plus strand): 5'-TGCGCGGCGCTGGCGTCGGGCGCGTGACGTCTTTCCTGCGCGCCACCTAGCGTCTCTATC[G>A]CGCCAGTTCCTCAGCCTCAGTGCTATGAAGGTGACAGCGTGAGGTGACCCATCTGGCCCG-3'